The following is an entry in ClinVar:

ClinVar aggregate classification (germline): Uncertain significance (1 of 4 stars; one submission).

Conditions:
Cystic fibrosis (CF). Also called: MUCOVISCIDOSIS. Identifiers: Orphanet 586, MedGen C0010674, MONDO:0009061, OMIM 219700. Disease mechanism: loss of function.

Submission:

Ambry Genetics
Classification: Uncertain significance for Cystic fibrosis. Last evaluated: 2015-02-13. Review status: criteria provided, single submitter. Criteria: Ambry Variant Classification Scheme 2023. Collection method: clinical testing. Allele origin: germline.
Comment: The c.-536C>G alteration is located in the 5' untranslated region (5'UTR) of the CFTR gene. This alteration consists of a C to G substitution nucleotides upstream from the first translated codon. Based on insufficient or conflicting evidence, the clinical significance of this alteration remains unclear.

NM_000492.3(CFTR):c.-536C>G

Genes: CFTR (CF transmembrane conductance regulator; plus strand), LOC111674463 (CFTR promoter region; plus strand). Cytogenetic location: 7q31.2.
Variant type: single nucleotide variant.
Coding change: c.-536C>G on transcript NM_000492.3; 536 bases upstream of the start codon, C replaced by G.
Genome position (GRCh38, 1-based): chr7:117,479,559, C>G. VCF-style: chr7-117479559-C-G. GRCh37 (hg19) VCF-style: chr7-117119613-C-G.
Identifiers: ClinVar variation 3076097 (VCV003076097.1), dbSNP rs1797957539, ClinGen allele CA2684616510.